The following is an entry in ClinVar:

ClinVar aggregate classification (germline): Uncertain significance (1 of 4 stars; one submission).

Conditions:
Lethal multiple pterygium syndrome (LMPS). Identifiers: Orphanet 33108, MedGen C1854678, MONDO:0009668, OMIM 253290.

Allele frequency attached by ClinVar (database versions not stated): gnomAD 0.00001 and 0.00002.

Submission:

Labcorp Genetics (formerly Invitae), Labcorp
Classification: Uncertain significance for Lethal multiple pterygium syndrome. Last evaluated: 2021-05-03. Review status: criteria provided, single submitter. Criteria: Invitae Variant Classification Sherloc (09022015). Collection method: clinical testing. Allele origin: germline.
Comment: In summary, the available evidence is currently insufficient to determine the role of this variant in disease. Therefore, it has been classified as a Variant of Uncertain Significance. Advanced modeling of protein sequence and biophysical properties (such as structural, functional, and spatial information, amino acid conservation, physicochemical variation, residue mobility, and thermodynamic stability) performed at Invitae indicates that this missense variant is not expected to disrupt CHRND protein function. This variant has not been reported in the literature in individuals with CHRND-related conditions. This variant is present in population databases (rs769160054, ExAC 0.02%). This sequence change replaces proline with leucine at codon 105 of the CHRND protein (p.Pro105Leu). The proline residue is moderately conserved and there is a moderate physicochemical difference between proline and leucine.

NM_000751.3(CHRND):c.314C>T (p.Pro105Leu)

Gene: CHRND (cholinergic receptor nicotinic delta subunit; plus strand). Cytogenetic location: 2q37.1.
Variant type: single nucleotide variant.
Coding change: c.314C>T on transcript NM_000751.3 (MANE Select); coding-DNA position 314, C replaced by T.
Protein change: p.Pro105Leu; replaces proline 105 with leucine.
Molecular consequence: missense variant.
Genome position (GRCh38, 1-based): chr2:232,528,332, C>T. VCF-style: chr2-232528332-C-T. GRCh37 (hg19) VCF-style: chr2-233393042-C-T.
Other names: c.269C>T, p.Pro90Leu (NM_001256657.2); c.43C>T, p.Arg15Trp (NM_001311195.2, NM_001311196.2); short protein forms P90L, P105L, R15W.
Identifiers: ClinVar variation 1503880 (VCV001503880.8), dbSNP rs769160054, ClinGen allele CA2167985.
Genomic context (GRCh38, chr2:232,528,332, plus strand): 5'-ACAACCGGCTGAAGTGGAATGCTGAAGAATTTGGAAACATCAGTGTCCTGCGCCTCCCCC[C>T]GGACATGGTGTGGCTCCCAGAGATTGTGCTGGAGAACAAGTTGAGCCAAGCCCTCCCTGA-3'
Protein context (NP_000742.1, residues 95-115): FGNISVLRLP[Pro105Leu]DMVWLPEIVL